The following is an entry in ClinVar:

NM_198123.2(CSMD3):c.8432G>A (p.Arg2811Lys)

Gene: CSMD3 (CUB and Sushi multiple domains 3; minus strand). Cytogenetic location: 8q23.3.
Variant type: single nucleotide variant.
Coding change: c.8432G>A on transcript NM_198123.2 (MANE Select); coding-DNA position 8432, G replaced by A.
Protein change: p.Arg2811Lys; replaces arginine 2811 with lysine.
Molecular consequence: missense variant.
Genome position (GRCh38, 1-based): chr8:112,301,801, C>T on the plus strand (G>A on the coding strand, the complement: CSMD3 is on the minus strand). VCF-style: chr8-112301801-C-T. GRCh37 (hg19) VCF-style: chr8-113314030-C-T.
Other names: c.7832G>A, p.Arg2611Lys (NM_001363185.1); c.7925G>A, p.Arg2642Lys (NM_052900.3); c.8312G>A, p.Arg2771Lys (NM_198124.2); short protein forms R2611K, R2642K, R2771K, R2811K.
Identifiers: ClinVar variation 3897751 (VCV003897751.1).

ClinVar aggregate classification (oncogenicity): Uncertain significance (1 of 4 stars; one submission).

Conditions:
Meningioma. Also called: Meningioma, somatic. Identifiers: Orphanet 2495, MedGen C0025286, MONDO:0016642, HP:0002858.

Submission:

Dr. Guy Rouleau's laboratory, McGill University
Classification: Uncertain significance for Meningioma. Last evaluated: 2025-03-30. Review status: criteria provided, single submitter. Criteria: ClinGen/CGC/VICC Guidelines for Oncogenicity, 2022. Collection method: research. Allele origin: somatic. Affected: yes.
Comment: This missense variant, located at position 2811 in the CSMD3 gene, results in the substitution of Arginine (R) with Lysine (K). Both are basic amino acids with similar properties. This somatic variant was identified in a paired tumor-blood sequencing study of meningiomas. It has not been reported in population databases (gnomAD v2.1.1: no frequency). Due to insufficient evidence, the clinical significance of this variant remains unknown.